The following is an entry in ClinVar:

NM_002386.4(MC1R):c.733A>T (p.Ile245Phe)

Gene: MC1R (melanocortin 1 receptor; plus strand). Cytogenetic location: 16q24.3.
Variant type: single nucleotide variant.
Coding change: c.733A>T on transcript NM_002386.4 (MANE Select); coding-DNA position 733, A replaced by T.
Protein change: p.Ile245Phe; replaces isoleucine 245 with phenylalanine.
Molecular consequence: missense variant.
Genome position (GRCh38, 1-based): chr16:89,919,991, A>T. VCF-style: chr16-89919991-A-T. GRCh37 (hg19) VCF-style: chr16-89986399-A-T.
Other names: short protein forms I245F.
Identifiers: ClinVar variation 5024079 (VCV005024079.1).

ClinVar aggregate classification (germline): Uncertain significance (1 of 4 stars; one submission).

Submission:

Ambry Genetics
Classification: Uncertain significance. Last evaluated: 2026-08-15. Review status: criteria provided, single submitter. Criteria: Ambry Variant Classification Scheme 2023. Collection method: clinical testing. Allele origin: germline.
Comment: The p.I245F variant (also known as c.733A>T), located in coding exon 1 of the MC1R gene, results from an A to T substitution at nucleotide position 733. The isoleucine at codon 245 is replaced by phenylalanine, an amino acid with highly similar properties. This amino acid position is conserved. In addition, this alteration is predicted to be tolerated by in silico analysis. Based on the available evidence, the clinical significance of this variant remains unclear.